The following is an entry in ClinVar:

NM_005857.5(ZMPSTE24):c.1105C>T (p.Arg369Ter)

Gene: ZMPSTE24 (zinc metallopeptidase STE24; plus strand). Cytogenetic location: 1p34.2.
Variant type: single nucleotide variant.
Coding change: c.1105C>T on transcript NM_005857.5 (MANE Select); coding-DNA position 1105, C replaced by T.
Protein change: p.Arg369Ter; replaces arginine 369 with a stop codon.
Molecular consequence: nonsense.
Genome position (GRCh38, 1-based): chr1:40,290,899, C>T. VCF-style: chr1-40290899-C-T. GRCh37 (hg19) VCF-style: chr1-40756571-C-T.
Other names: c.1105C>T (LRG_212t1); short protein forms R369*.
Identifiers: ClinVar variation 140512 (VCV000140512.6), dbSNP rs281875373, ClinGen allele CA232723.

ClinVar aggregate classification (germline): Pathogenic. Review status: criteria provided, single submitter (1 of 4 stars). 2 submissions from 2 submitters: Pathogenic (1). 1 of the submissions does not count toward it. Last evaluated 2022-09-07.

Allele frequency attached by ClinVar (database versions not stated): gnomAD exomes below 0.00001.
gnomAD v4.1: 6 of 1,613,816 alleles (0.00037%); highest among the groups gnomAD compares: Non-Finnish European, 0.00042%; no homozygotes.

Submissions (2):

Labcorp Genetics (formerly Invitae), Labcorp
Classification: Pathogenic. Last evaluated: 2022-09-07. Review status: criteria provided, single submitter. Criteria: Invitae Variant Classification Sherloc (09022015). Collection method: clinical testing. Allele origin: germline.
Comment: This sequence change creates a premature translational stop signal (p.Arg369*) in the ZMPSTE24 gene. It is expected to result in an absent or disrupted protein product. Loss-of-function variants in ZMPSTE24 are known to be pathogenic (PMID: 22718200, 24169522). This variant is present in population databases (rs281875373, gnomAD 0.0009%). This premature translational stop signal has been observed in individual(s) with restrictive dermopathy (PMID: 24169522). ClinVar contains an entry for this variant (Variation ID: 140512). Algorithms developed to predict the effect of sequence changes on RNA splicing suggest that this variant may disrupt the consensus splice site. For these reasons, this variant has been classified as Pathogenic.

ZMPSTE24 homepage - Leiden Muscular Dystrophy pages
No classification provided. Review status: no classification provided. Collection method: not provided. Allele origin: germline. Not counted in ClinVar's aggregate classification.
Comment: probably has functional consequence

Literature cited by the submitters: PubMed 22718200 (cited by Labcorp Genetics (formerly Invitae), Labcorp); PubMed 24169522 (cited by Labcorp Genetics (formerly Invitae), Labcorp).